The following is an entry in ClinVar:

ClinVar aggregate classification (germline): Benign. Review status: criteria provided, single submitter (1 of 4 stars). 2 submissions from 2 submitters: Benign (1). 1 of the submissions does not count toward it. Last evaluated 2018-02-25.

Conditions:
SLC29A4-related disorder. Also called: SLC29A4-related condition.

Allele frequency attached by ClinVar (database versions not stated): gnomAD 0.00363; ESP Exome Variant Server 0.00377; TOPMed 0.00441; 1000 Genomes Project 0.00479; 1000 Genomes Project 30x 0.00531.
gnomAD v4.1: 1,215 of 1,611,518 alleles (0.075%); highest among the groups gnomAD compares: African/African-American, 1.5%; 6 homozygotes.

Submissions (2):

Labcorp Genetics (formerly Invitae), Labcorp
Classification: Benign. Last evaluated: 2018-02-25. Review status: criteria provided, single submitter. Criteria: Invitae Variant Classification Sherloc (09022015). Collection method: clinical testing. Allele origin: germline.

PreventionGenetics, part of Exact Sciences
Classification: Likely benign for SLC29A4-related condition. Last evaluated: 2020-01-02. Review status: no assertion criteria provided. Collection method: clinical testing. Allele origin: germline. Not counted in ClinVar's aggregate classification.
Comment: This variant is classified as likely benign based on ACMG/AMP sequence variant interpretation guidelines (Richards et al. 2015 PMID: 25741868, with internal and published modifications).

NM_153247.4(SLC29A4):c.1383C>A (p.Gly461=)

Gene: SLC29A4 (solute carrier family 29 member 4; plus strand). Cytogenetic location: 7p22.1.
Variant type: single nucleotide variant.
Coding change: c.1383C>A on transcript NM_153247.4 (MANE Select); coding-DNA position 1383, C replaced by A.
Protein change: p.Gly461=; no amino-acid change (glycine 461 retained).
Molecular consequence: synonymous variant.
Genome position (GRCh38, 1-based): chr7:5,300,595, C>A. VCF-style: chr7-5300595-C-A. GRCh37 (hg19) VCF-style: chr7-5340226-C-A.
Other names: c.1383C>A, p.Gly461= (NM_001040661.3); c.1341C>A, p.Gly447= (NM_001300847.3).
Identifiers: ClinVar variation 788418 (VCV000788418.5), dbSNP rs149054702, ClinGen allele CA4142965.